The following is an entry in ClinVar:

ClinVar aggregate classification (germline): Uncertain significance (1 of 4 stars; one submission).

Conditions:
Hereditary cancer-predisposing syndrome. Also called: Tumor predisposition; Hereditary neoplastic syndrome; Hereditary Cancer Syndrome; Neoplastic Syndromes, Hereditary. Identifiers: Orphanet 140162, MedGen C0027672, MeSH D009386, MONDO:0015356.

Submission:

Ambry Genetics
Classification: Uncertain significance for Hereditary cancer-predisposing syndrome. Last evaluated: 2025-06-11. Review status: criteria provided, single submitter. Criteria: Ambry Variant Classification Scheme 2023. Collection method: clinical testing. Allele origin: germline.
Comment: The c.3123-5T>C intronic variant results from a T to C substitution 5 nucleotides upstream from coding exon 22 in the PDGFRA gene. This nucleotide position is not well conserved in available vertebrate species. In silico splice site analysis predicts that this alteration will not have any significant effect on splicing. Based on the available evidence, the clinical significance of this variant remains unclear.

NM_006206.6(PDGFRA):c.3123-5T>C

Gene: PDGFRA (platelet derived growth factor receptor alpha; plus strand). Cytogenetic location: 4q12.
Variant type: single nucleotide variant.
Coding change: c.3123-5T>C on transcript NM_006206.6 (MANE Select); 5 bases into the intron before coding-DNA position 3123, T replaced by C.
Molecular consequence: intron variant.
Genome position (GRCh38, 1-based): chr4:54,295,120, T>C. VCF-style: chr4-54295120-T-C. GRCh37 (hg19) VCF-style: chr4-55161287-T-C.
Other names: c.3123-5T>C (NM_001347829.2); c.3198-5T>C (NM_001347828.2); c.3162-5T>C (NM_001347830.2).
Identifiers: ClinVar variation 3930223 (VCV003930223.1).